The following is an entry in ClinVar:

ClinVar aggregate classification (germline): Benign/Likely benign. Review status: criteria provided, multiple submitters, no conflicts (2 of 4 stars). 7 submissions from 5 submitters: Benign (6); Likely benign (1). Last evaluated 2026-01-15.

Conditions:
Hereditary spherocytosis type 4. Also called: SLC4A1-Related Spherocytosis. Identifiers: Orphanet 822, MedGen C2675212, MONDO:0012981, OMIM 612653.
Autosomal dominant distal renal tubular acidosis (DRTA1). Also called: RTA, CLASSIC TYPE; RTA, DISTAL TYPE, AUTOSOMAL DOMINANT; RTA, GRADIENT TYPE; RENAL TUBULAR ACIDOSIS, DISTAL, 1; Renal Tubular Acidosis, Type I. Identifiers: Orphanet 93608, MedGen CN280572, MONDO:0008368, OMIM 179800.
Hemolytic anemia. Identifiers: MedGen C0002878, MONDO:0003664, HP:0001878.

Allele frequency attached by ClinVar (database versions not stated): ESP Exome Variant Server 0.00008; gnomAD 0.00193 and 0.00258; gnomAD exomes 0.00211 and 0.00601; TOPMed 0.00275; ExAC 0.00611; 1000 Genomes Project 30x 0.01374; 1000 Genomes Project 0.01418.

Submissions (7):

Labcorp Genetics (formerly Invitae), Labcorp
Classification: Benign. Last evaluated: 2026-01-15. Review status: criteria provided, single submitter. Criteria: Invitae Variant Classification Sherloc (09022015). Collection method: clinical testing. Allele origin: germline.

ARUP Laboratories, Molecular Genetics and Genomics, ARUP Laboratories
Classification: Benign. Last evaluated: 2025-04-17. Review status: criteria provided, single submitter. Criteria: ARUP Molecular Germline Variant Investigation Process 2024. Collection method: clinical testing. Allele origin: germline.

Blueprint Genetics
Classification: Likely benign. Last evaluated: 2024-11-27. Review status: criteria provided, single submitter. Criteria: ACMG Guidelines, 2015. Collection method: clinical testing. Allele origin: germline.

GeneDx
Classification: Benign. Last evaluated: 2021-05-05. Review status: criteria provided, single submitter. Criteria: GeneDx Variant Classification Process June 2021. Collection method: clinical testing. Allele origin: germline. Affected: yes.

Illumina Laboratory Services, Illumina
Classification: Benign for Autosomal dominant distal renal tubular acidosis. Last evaluated: 2018-01-13. Review status: criteria provided, single submitter. Criteria: ICSL Variant Classification Criteria 13 December 2019. Collection method: clinical testing. Allele origin: germline.
Comment: This variant was observed in the ICSL laboratory as part of a predisposition screen in an ostensibly healthy population. It had not been previously curated by ICSL or reported in the Human Gene Mutation Database (HGMD: prior to June 1st, 2018), and was therefore a candidate for classification through an automated scoring system. Utilizing variant allele frequency, disease prevalence and penetrance estimates, and inheritance mode, an automated score was calculated to assess if this variant is too frequent to cause the disease. Based on the score and internal cut-off values, a variant classified as benign is not then subjected to further curation. The score for this variant resulted in a classification of benign for this disease.

Illumina Laboratory Services, Illumina
Classification: Benign for Hemolytic anemia. Last evaluated: 2018-01-13. Review status: criteria provided, single submitter. Criteria: ICSL Variant Classification Criteria 13 December 2019. Collection method: clinical testing. Allele origin: germline.
Comment: the same text as in the submission from Illumina Laboratory Services, Illumina above.

Illumina Laboratory Services, Illumina
Classification: Benign for Hereditary spherocytosis type 4. Last evaluated: 2018-01-13. Review status: criteria provided, single submitter. Criteria: ICSL Variant Classification Criteria 13 December 2019. Collection method: clinical testing. Allele origin: germline.
Comment: the same text as in the submission from Illumina Laboratory Services, Illumina above.

NM_000342.4(SLC4A1):c.1314G>A (p.Ser438=)

Gene: SLC4A1 (solute carrier family 4 member 1 (Diego blood group); minus strand). Cytogenetic location: 17q21.31.
Variant type: single nucleotide variant.
Coding change: c.1314G>A on transcript NM_000342.4 (MANE Select); coding-DNA position 1314, G replaced by A.
Protein change: p.Ser438=; no amino-acid change (serine 438 retained).
Molecular consequence: synonymous variant.
Genome position (GRCh38, 1-based): chr17:44,257,776, C>T on the plus strand (G>A on the coding strand, the complement: SLC4A1 is on the minus strand). VCF-style: chr17-44257776-C-T. GRCh37 (hg19) VCF-style: chr17-42335144-C-T.
Identifiers: ClinVar variation 323510 (VCV000323510.30), dbSNP rs13306781, ClinGen allele CA8600302.
Genomic context (GRCh38, chr17:44,257,776, plus strand): 5'-GGGCTGAGCCCCCAGCAGGGCGAAGAGAATGCCCTGCACTGCAGTGGAGATCAGCAGCTC[C>T]GACACTCCCATCTGGTTCCGGGTCTTTTCTCCTGTGGGTAGAGGTCACAGTGGGATCAAG-3'
Protein context (NP_000333.1, residues 428-448): GEKTRNQMGV[Ser438=]ELLISTAVQG